The following is an entry in ClinVar:

NM_016222.4(DDX41):c.125G>T (p.Arg42Leu)

Gene: DDX41 (DEAD-box helicase 41; minus strand). Cytogenetic location: 5q35.3.
Variant type: single nucleotide variant.
Coding change: c.125G>T on transcript NM_016222.4 (MANE Select); coding-DNA position 125, G replaced by T.
Protein change: p.Arg42Leu; replaces arginine 42 with leucine.
Molecular consequence: missense variant. On other transcripts: 5 prime UTR variant (2).
Genome position (GRCh38, 1-based): chr5:177,516,738, C>A on the plus strand (G>T on the coding strand, the complement: DDX41 is on the minus strand). VCF-style: chr5-177516738-C-A. GRCh37 (hg19) VCF-style: chr5-176943739-C-A.
Other names: c.-531G>T (NM_001321732.2); c.-323G>T (NM_001321830.2); short protein forms R42L.
Identifiers: ClinVar variation 3839083 (VCV003839083.1).

ClinVar aggregate classification (germline): Uncertain significance (1 of 4 stars; one submission).

Conditions:
Inborn genetic diseases. Identifiers: MedGen C0950123, MeSH D030342.

Submission:

Ambry Genetics
Classification: Uncertain significance for Inborn genetic diseases. Last evaluated: 2025-03-14. Review status: criteria provided, single submitter. Criteria: Ambry Variant Classification Scheme 2023. Collection method: clinical testing. Allele origin: germline.
Comment: The p.R42L variant (also known as c.125G>T), located in coding exon 2 of the DDX41 gene, results from a G to T substitution at nucleotide position 125. The arginine at codon 42 is replaced by leucine, an amino acid with dissimilar properties. This amino acid position is conserved. In addition, the in silico prediction for this alteration is inconclusive. Based on the available evidence, the clinical significance of this variant remains unclear.